The following is an entry in ClinVar:

ClinVar aggregate classification (germline): Uncertain significance (1 of 4 stars; one submission).

Conditions:
Hereditary cancer-predisposing syndrome. Also called: Neoplastic Syndromes, Hereditary; Tumor predisposition; Hereditary neoplastic syndrome; Hereditary Cancer Syndrome. Identifiers: Orphanet 140162, MedGen C0027672, MeSH D009386, MONDO:0015356.

Submission:

Ambry Genetics
Classification: Uncertain significance for Hereditary cancer-predisposing syndrome. Last evaluated: 2026-06-26. Review status: criteria provided, single submitter. Criteria: Ambry Variant Classification Scheme 2023. Collection method: clinical testing. Allele origin: germline.
Comment: The c.909+5G>C intronic variant results from a G to C substitution 5 nucleotides after coding exon 5 in the MSH3 gene. This nucleotide position is highly conserved in available vertebrate species. In silico splice site analysis predicts that this alteration will weaken the native splice donor site; however, direct evidence is insufficient at this time (Ambry internal data). Based on the available evidence, the clinical significance of this variant remains unclear.

NM_002439.5(MSH3):c.909+5G>C

Gene: MSH3 (mutS homolog 3; plus strand). Cytogenetic location: 5q14.1.
Variant type: single nucleotide variant.
Coding change: c.909+5G>C on transcript NM_002439.5 (MANE Select); 5 bases into the intron after coding-DNA position 909, G replaced by C.
Molecular consequence: intron variant.
Genome position (GRCh38, 1-based): chr5:80,672,365, G>C. VCF-style: chr5-80672365-G-C. GRCh37 (hg19) VCF-style: chr5-79968184-G-C.
Identifiers: ClinVar variation 5024750 (VCV005024750.1).